The following is an entry in ClinVar:

ClinVar aggregate classification (germline): Conflicting classifications of pathogenicity. Review status: criteria provided, conflicting classifications (1 of 4 stars). 4 submissions from 4 submitters: Uncertain significance (3); Likely benign (1). Last evaluated 2025-01-26.

Conditions:
Hereditary cancer-predisposing syndrome. Also called: Neoplastic Syndromes, Hereditary; Tumor predisposition; Hereditary Cancer Syndrome; Hereditary neoplastic syndrome. Identifiers: Orphanet 140162, MedGen C0027672, MeSH D009386, MONDO:0015356.
Hereditary breast ovarian cancer syndrome. Also called: Hereditary breast and ovarian cancer; Hereditary breast and/or ovarian cancer syndrome; BRCA1- and BRCA2-Associated Hereditary Breast and Ovarian Cancer; Hereditary breast and ovarian cancer syndrome (HBOC); Hereditary breast and ovarian cancer syndrome; Breast and ovarian cancer. Identifiers: Orphanet 145, MedGen C0677776, MeSH D061325, MONDO:0003582. Disease mechanism: loss of function.

Allele frequency attached by ClinVar (database versions not stated): gnomAD exomes below 0.00001.
gnomAD v4.1: 5 of 1,614,146 alleles (0.00031%); highest among the groups gnomAD compares: Non-Finnish European, 0.00042%; no homozygotes.

Submissions (4):

Labcorp Genetics (formerly Invitae), Labcorp
Classification: Uncertain significance for Hereditary breast ovarian cancer syndrome. Last evaluated: 2025-01-26. Review status: criteria provided, single submitter. Criteria: Invitae Variant Classification Sherloc (09022015). Collection method: clinical testing. Allele origin: germline.
Comment: This sequence change replaces aspartic acid, which is acidic and polar, with asparagine, which is neutral and polar, at codon 396 of the BRCA1 protein (p.Asp396Asn). This variant is not present in population databases (gnomAD no frequency). This variant has not been reported in the literature in individuals affected with BRCA1-related conditions. ClinVar contains an entry for this variant (Variation ID: 186688). Invitae Evidence Modeling of protein sequence and biophysical properties (such as structural, functional, and spatial information, amino acid conservation, physicochemical variation, residue mobility, and thermodynamic stability) indicates that this missense variant is not expected to disrupt BRCA1 protein function with a negative predictive value of 80%. In summary, the available evidence is currently insufficient to determine the role of this variant in disease. Therefore, it has been classified as a Variant of Uncertain Significance.

Ambry Genetics
Classification: Uncertain significance for Hereditary cancer-predisposing syndrome. Last evaluated: 2023-04-19. Review status: criteria provided, single submitter. Criteria: Ambry Variant Classification Scheme 2023. Collection method: clinical testing. Allele origin: germline.
Comment: The p.D396N variant (also known as c.1186G>A), located in coding exon 9 of the BRCA1 gene, results from a G to A substitution at nucleotide position 1186. The aspartic acid at codon 396 is replaced by asparagine, an amino acid with highly similar properties. This amino acid position is poorly conserved in available vertebrate species. In addition, the in silico prediction for this alteration is inconclusive. Since supporting evidence is limited at this time, the clinical significance of this alteration remains unclear.

University of Washington Department of Laboratory Medicine, University of Washington
Classification: Likely benign for Hereditary cancer-predisposing syndrome. Last evaluated: 2023-03-23. Review status: criteria provided, single submitter. Criteria: Dines et al. (Genet Med. 2020). Collection method: curation. Allele origin: germline.
Comment: Missense variant in a coldspot region where missense variants are very unlikely to be pathogenic (PMID:31911673).

BRCA1 coldspot (exon 11 using historical exon numbering). Reclassification based on statistical prior probability

Color Diagnostics, LLC DBA Color Health
Classification: Uncertain significance for Hereditary cancer-predisposing syndrome. Last evaluated: 2019-05-16. Review status: criteria provided, single submitter. Criteria: ACMG Guidelines, 2015. Collection method: clinical testing. Allele origin: germline.

NM_007294.4(BRCA1):c.1186G>A (p.Asp396Asn)

Gene: BRCA1 (BRCA1 DNA repair associated; minus strand). Cytogenetic location: 17q21.31.
Variant type: single nucleotide variant.
Coding change: c.1186G>A on transcript NM_007294.4 (MANE Select); coding-DNA position 1186, G replaced by A.
Protein change: p.Asp396Asn; replaces aspartic acid 396 with asparagine.
Molecular consequence: missense variant. On other transcripts: intron variant (137).
Genome position (GRCh38, 1-based): chr17:43,094,345, C>T on the plus strand (G>A on the coding strand, the complement: BRCA1 is on the minus strand). VCF-style: chr17-43094345-C-T. GRCh37 (hg19) VCF-style: chr17-41246362-C-T.
Other names: c.1186G>A, p.Asp396Asn (NM_001407642.1, NM_001407652.1, NM_001407684.1 and 30 more transcripts); c.1183G>A, p.Asp395Asn (NM_001407644.1, NM_001407645.1, NM_001407860.1 and 22 more transcripts); c.1177G>A, p.Asp393Asn (NM_001407646.1, NM_001407647.1); c.1063G>A, p.Asp355Asn (NM_001407648.1, NM_001407664.1, NM_001407665.1 and 19 more transcripts); c.1060G>A, p.Asp354Asn (NM_001407649.1, NM_001407670.1, NM_001407671.1 and 11 more transcripts); c.1108G>A, p.Asp370Asn (NM_001407653.1, NM_001407654.1, NM_001407655.1 and 4 more transcripts); c.1105G>A, p.Asp369Asn (NM_001407659.1, NM_001407660.1, NM_001407661.1 and 1 more transcripts); c.1045G>A, p.Asp349Asn (NM_001407692.1, NM_001407694.1, NM_001407695.1 and 29 more transcripts); and 40 more; short protein forms D396N, D349N, D269N, D326N, D395N, D268N, D285N, D328N.
Identifiers: ClinVar variation 186688 (VCV000186688.21), dbSNP rs786203145, ClinGen allele CA000782.